The following is an entry in ClinVar:

NM_000368.5(TSC1):c.1263G>A (p.Lys421=)

Gene: TSC1 (TSC complex subunit 1; minus strand). Cytogenetic location: 9q34.13.
Variant type: single nucleotide variant.
Coding change: c.1263G>A on transcript NM_000368.5 (MANE Select); coding-DNA position 1263, G replaced by A.
Protein change: p.Lys421=; no amino-acid change (lysine 421 retained).
Molecular consequence: synonymous variant. On other transcripts: non-coding transcript variant (5).
Genome position (GRCh38, 1-based): chr9:132,910,571, C>T on the plus strand (G>A on the coding strand, the complement: TSC1 is on the minus strand). VCF-style: chr9-132910571-C-T. GRCh37 (hg19) VCF-style: chr9-135785958-C-T.
Other names: c.1260G>A, p.Lys420= (NM_001162426.2, NM_001406597.1, NM_001406598.1 and 6 more transcripts); c.1110G>A, p.Lys370= (NM_001162427.2, NM_001406610.1); c.900G>A, p.Lys300= (NM_001362177.2, NM_001406614.1, NM_001406615.1 and 5 more transcripts); c.1263G>A, p.Lys421= (NM_001406592.1, NM_001406593.1, NM_001406594.1 and 7 more transcripts); c.1107G>A, p.Lys369= (NM_001406611.1, NM_001406612.1, NM_001406613.1); c.897G>A, p.Lys299= (NM_001406620.1, NM_001406621.1, NM_001406622.1 and 2 more transcripts); c.312G>A, p.Lys104= (NM_001406626.1); c.309G>A, p.Lys103= (NM_001406627.1, NM_001406628.1); and 1 more.
Identifiers: ClinVar variation 4866024 (VCV004866024.1).

ClinVar aggregate classification (germline): Uncertain significance (1 of 4 stars; one submission).

Conditions:
Hereditary cancer-predisposing syndrome. Also called: Neoplastic Syndromes, Hereditary; Tumor predisposition; Hereditary Cancer Syndrome; Hereditary neoplastic syndrome. Identifiers: Orphanet 140162, MedGen C0027672, MeSH D009386, MONDO:0015356.

Submission:

Ambry Genetics
Classification: Uncertain significance for Hereditary cancer-predisposing syndrome. Last evaluated: 2026-04-23. Review status: criteria provided, single submitter. Criteria: Ambry Variant Classification Scheme 2023. Collection method: clinical testing. Allele origin: germline.
Comment: The c.1263G>A variant (also known as p.K421K), located in coding exon 10 of the TSC1 gene, results from a G to A substitution at nucleotide position 1263. This nucleotide substitution does not change the amino acid at codon 421. However, this change occurs in the last base pair of coding exon 10, which makes it likely to have some effect on normal mRNA splicing. This nucleotide position is highly conserved in available vertebrate species. In silico splice site analysis predicts that this alteration will weaken the native splice donor site; however, direct evidence is insufficient at this time (Ambry internal data). Based on the available evidence, the clinical significance of this variant remains unclear.